The following is an entry in ClinVar:

NM_020232.5(PSMG2):c.91G>T (p.Ala31Ser)

Gene: PSMG2 (proteasome assembly chaperone 2; plus strand). Cytogenetic location: 18p11.21.
Variant type: single nucleotide variant.
Coding change: c.91G>T on transcript NM_020232.5 (MANE Select); coding-DNA position 91, G replaced by T.
Protein change: p.Ala31Ser; replaces alanine 31 with serine.
Molecular consequence: missense variant. On other transcripts: 5 prime UTR variant (1).
Genome position (GRCh38, 1-based): chr18:12,706,583, G>T. VCF-style: chr18-12706583-G-T. GRCh37 (hg19) VCF-style: chr18-12706582-G-T.
Other names: c.-3G>T (NM_147163.2); short protein forms A31S.
Identifiers: ClinVar variation 2896762 (VCV002896762.3), dbSNP rs967672765, ClinGen allele CA296714204.

ClinVar aggregate classification (germline): Uncertain significance (1 of 4 stars; one submission).

Submission:

Labcorp Genetics (formerly Invitae), Labcorp
Classification: Uncertain significance. Last evaluated: 2023-04-02. Review status: criteria provided, single submitter. Criteria: Invitae Variant Classification Sherloc (09022015). Collection method: clinical testing. Allele origin: germline.
Comment: This sequence change replaces alanine, which is neutral and non-polar, with serine, which is neutral and polar, at codon 31 of the PSMG2 protein (p.Ala31Ser). In summary, the available evidence is currently insufficient to determine the role of this variant in disease. Therefore, it has been classified as a Variant of Uncertain Significance. An algorithm developed to predict the effect of missense changes on protein structure and function (PolyPhen-2) suggests that this variant is likely to be tolerated. This variant has not been reported in the literature in individuals affected with PSMG2-related conditions. This variant is present in population databases (no rsID available, gnomAD 0.0009%).